The following is an entry in ClinVar:

ClinVar aggregate classification (germline): Uncertain significance (1 of 4 stars; one submission).

Conditions:
Werner syndrome (WRN). Identifiers: Orphanet 902, MedGen C0043119, MONDO:0010196, OMIM 277700.

Allele frequency attached by ClinVar (database versions not stated): gnomAD exomes below 0.00001.
gnomAD v4.1: 2 of 1,613,286 alleles (0.00012%); highest among the groups gnomAD compares: Non-Finnish European, 0.00017%; no homozygotes.

Submission:

Labcorp Genetics (formerly Invitae), Labcorp
Classification: Uncertain significance for Werner syndrome. Last evaluated: 2019-10-25. Review status: criteria provided, single submitter. Criteria: Invitae Variant Classification Sherloc (09022015). Collection method: clinical testing. Allele origin: germline.
Comment: This sequence change replaces tyrosine with histidine at codon 413 of the WRN protein (p.Tyr413His). The tyrosine residue is weakly conserved and there is a moderate physicochemical difference between tyrosine and histidine. This variant is not present in population databases (ExAC no frequency). This variant has not been reported in the literature in individuals with WRN-related conditions. Algorithms developed to predict the effect of missense changes on protein structure and function output the following: SIFT: Tolerated; PolyPhen-2: Benign; Align-GVGD: Class C0. The histidine amino acid residue is found in multiple mammalian species, suggesting that this missense change does not adversely affect protein function. These predictions have not been confirmed by published functional studies and their clinical significance is uncertain. In summary, the available evidence is currently insufficient to determine the role of this variant in disease. Therefore, it has been classified as a Variant of Uncertain Significance.

NM_000553.6(WRN):c.1237T>C (p.Tyr413His)

Gene: WRN (WRN RecQ like helicase; plus strand). Cytogenetic location: 8p12.
Variant type: single nucleotide variant.
Coding change: c.1237T>C on transcript NM_000553.6 (MANE Select); coding-DNA position 1237, T replaced by C.
Protein change: p.Tyr413His; replaces tyrosine 413 with histidine.
Molecular consequence: missense variant.
Genome position (GRCh38, 1-based): chr8:31,081,264, T>C. VCF-style: chr8-31081264-T-C. GRCh37 (hg19) VCF-style: chr8-30938780-T-C.
Other names: short protein forms Y413H.
Identifiers: ClinVar variation 936707 (VCV000936707.2), dbSNP rs1813300717, ClinGen allele CA370921415.
Genomic context (GRCh38, chr8:31,081,264, plus strand): 5'-ATGTCGTTAGATATTACAGAACATGAACTCCAAATTTTGGAACAGCAGTCTCAGGAAGAA[T>C]ATCTTAGTGATATTGCTTATAAATCTACTGAGGTACTAAATAAAGAGGAAGCACATTTTT-3'
Protein context (NP_000544.2, residues 403-423): QILEQQSQEE[Tyr413His]LSDIAYKSTE